The following is an entry in ClinVar:

NM_000435.3(NOTCH3):c.1724C>T (p.Thr575Met)

Gene: NOTCH3 (notch receptor 3; minus strand). Cytogenetic location: 19p13.12.
Variant type: single nucleotide variant.
Coding change: c.1724C>T on transcript NM_000435.3 (MANE Select); coding-DNA position 1724, C replaced by T.
Protein change: p.Thr575Met; replaces threonine 575 with methionine.
Molecular consequence: missense variant.
Genome position (GRCh38, 1-based): chr19:15,187,221, G>A on the plus strand (C>T on the coding strand, the complement: NOTCH3 is on the minus strand). VCF-style: chr19-15187221-G-A. GRCh37 (hg19) VCF-style: chr19-15298032-G-A.
Other names: short protein forms T575M.
Identifiers: ClinVar variation 994439 (VCV000994439.37), dbSNP rs371176740, ClinGen allele CA9263570.

ClinVar aggregate classification (germline): Uncertain significance. Review status: criteria provided, multiple submitters, no conflicts (2 of 4 stars). 5 submissions from 5 submitters: Uncertain significance (5). Last evaluated 2025-09-15.

Conditions:
Inborn genetic diseases. Identifiers: MedGen C0950123, MeSH D030342.

Allele frequency attached by ClinVar (database versions not stated): ExAC 0.00001; gnomAD exomes 0.00001 and 0.00003; TOPMed 0.00002; gnomAD 0.00003 and 0.00004; ESP Exome Variant Server 0.00008.

Submissions (5):

Athena Diagnostics
Classification: Uncertain significance. Last evaluated: 2025-09-15. Review status: criteria provided, single submitter. Criteria: Athena Diagnostics Criteria. Collection method: clinical testing. Allele origin: unknown.
Comment: Available data are insufficient to determine the clinical significance of the variant at this time. The frequency of this variant in the general population is uninformative in assessment of its pathogenicity. Polyphen and MutationTaster predict this amino acid change may be damaging to the protein.

Labcorp Genetics (formerly Invitae), Labcorp
Classification: Uncertain significance. Last evaluated: 2025-06-22. Review status: criteria provided, single submitter. Criteria: Invitae Variant Classification Sherloc (09022015). Collection method: clinical testing. Allele origin: germline.
Comment: This sequence change replaces threonine, which is neutral and polar, with methionine, which is neutral and non-polar, at codon 575 of the NOTCH3 protein (p.Thr575Met). This variant is present in population databases (rs371176740, gnomAD 0.007%). This variant has not been reported in the literature in individuals affected with NOTCH3-related conditions. ClinVar contains an entry for this variant (Variation ID: 994439). Invitae Evidence Modeling of protein sequence and biophysical properties (such as structural, functional, and spatial information, amino acid conservation, physicochemical variation, residue mobility, and thermodynamic stability) indicates that this missense variant is not expected to disrupt NOTCH3 protein function with a negative predictive value of 95%. In summary, the available evidence is currently insufficient to determine the role of this variant in disease. Therefore, it has been classified as a Variant of Uncertain Significance.

Ambry Genetics
Classification: Uncertain significance for Inborn genetic diseases. Last evaluated: 2024-04-09. Review status: criteria provided, single submitter. Criteria: Ambry Variant Classification Scheme 2023. Collection method: clinical testing. Allele origin: germline.

CeGaT Center for Human Genetics Tuebingen
Classification: Uncertain significance. Last evaluated: 2024-01-01. Review status: criteria provided, single submitter. Criteria: CeGaT Center For Human Genetics Tuebingen Variant Classification Criteria Version 2. Collection method: clinical testing. Allele origin: germline. Affected: yes. Observed: 1 variant allele.

ARUP Laboratories, Molecular Genetics and Genomics, ARUP Laboratories
Classification: Uncertain significance. Last evaluated: 2019-10-07. Review status: criteria provided, single submitter. Criteria: ARUP Molecular Germline Variant Investigation Process. Collection method: clinical testing. Allele origin: germline.
Comment: The NOTCH3 c.1724C>T; p.Thr575Met variant (rs371176740), to our knowledge, is not reported in the medical literature or gene specific databases. This variant is only found on 3 alleles in the Genome Aggregation Database, indicating it is not a common polymorphism. The threonine at codon 575 is highly conserved, but computational analyses (SIFT: Tolerated, PolyPhen-2: Possibly Damaging) predict conflicting effects of this variant on protein structure/function. Most pathogenic NOTCH3 variants occur in exons 2-24 and either create or destroy a cysteine residue within an EGF-like domain (Rutten 2014). However, there are several amino acid substitutions not involving cysteine that may be disease-associated (Muino 2017). Although p.Thr575Met does not involve a cysteine residue, due to its low population frequency, its clinical significance is uncertain. REFERENCES Muino E et al. Systematic Review of Cysteine-Sparing NOTCH3 Missense Mutations in Patients with Clinical Suspicion of CADASIL. Int J Mol Sci. 2017 Sep 13;18(9). pii: E1964. Rutten JW et al. Interpretation of NOTCH3 mutations in the diagnosis of CADASIL. Expert Rev Mol Diagn. 2014 Jun;14(5):593-603.